The following is an entry in ClinVar:

NM_013450.4(BAZ2B):c.5416C>A (p.Leu1806Ile)

Gene: BAZ2B (bromodomain adjacent to zinc finger domain 2B; minus strand). Cytogenetic location: 2q24.2.
Variant type: single nucleotide variant.
Coding change: c.5416C>A on transcript NM_013450.4 (MANE Select); coding-DNA position 5416, C replaced by A.
Protein change: p.Leu1806Ile; replaces leucine 1806 with isoleucine.
Molecular consequence: missense variant.
Genome position (GRCh38, 1-based): chr2:159,347,524, G>T on the plus strand (C>A on the coding strand, the complement: BAZ2B is on the minus strand). VCF-style: chr2-159347524-G-T. GRCh37 (hg19) VCF-style: chr2-160204035-G-T.
Other names: c.5308C>A, p.Leu1770Ile (NM_001289975.1); c.5254C>A, p.Leu1752Ile (NM_001329857.2); c.5341C>A, p.Leu1781Ile (NM_001329858.2); short protein forms L1752I, L1770I, L1781I, L1806I.
Identifiers: ClinVar variation 5018039 (VCV005018039.1).

ClinVar aggregate classification (germline): Uncertain significance (1 of 4 stars; one submission).

Submission:

GeneDx
Classification: Uncertain significance. Last evaluated: 2026-04-02. Review status: criteria provided, single submitter. Criteria: GeneDx Variant Classification Process June 2021. Collection method: clinical testing. Allele origin: germline.
Comment: Not observed at significant frequency in large population cohorts (gnomAD); In silico analysis suggests that this missense variant does not alter protein structure/function; Has not been previously published as pathogenic or benign to our knowledge